The following is an entry in ClinVar:

NC_000003.11:g.(?_33099561)_(33099781_?)del

Gene: GLB1 (galactosidase beta 1; minus strand). Cytogenetic location: 3p22.3.
Variant type: Deletion.
Identifiers: ClinVar variation 2423033 (VCV002423033.4).

ClinVar aggregate classification (germline): Pathogenic (1 of 4 stars; one submission).

Conditions:
GM1 gangliosidosis. Identifiers: Orphanet 354, MedGen C0085131, MONDO:0018149.
Mucopolysaccharidosis, MPS-IV-B (MPS4B). Also called: MORQUIO SYNDROME B; Mucopolysaccharidosis type IV B; Mucopolysaccharidosis Type IVB; Mucopolysaccharidosis type 4B; Mucopolysaccharidosis type IVB (Morquio); MPS IVB. Identifiers: Orphanet 309310, Orphanet 582, MedGen C0086652, MONDO:0009660, OMIM 253010.

Submission:

Labcorp Genetics (formerly Invitae), Labcorp
Classification: Pathogenic for Mucopolysaccharidosis, MPS-IV-B; GM1 gangliosidosis. Last evaluated: 2022-11-25. Review status: criteria provided, single submitter. Criteria: Invitae Variant Classification Sherloc (09022015). Collection method: clinical testing. Allele origin: germline.
Comment: For these reasons, this variant has been classified as Pathogenic. This variant has not been reported in the literature in individuals affected with GLB1-related conditions. This variant is a gross deletion of the genomic region encompassing exon(s) 6 of the GLB1 gene. This deletion is out-of-frame, and is expected to create a premature termination codon and result in an absent or disrupted protein product. Loss-of-function variants in GLB1 are known to be pathogenic (PMID: 18524657).

Literature cited by the submitters: PubMed 18524657.